The following is an entry in ClinVar:

NM_014000.3(VCL):c.1217A>G (p.Glu406Gly)

Gene: VCL (vinculin; plus strand). Cytogenetic location: 10q22.2.
Variant type: single nucleotide variant.
Coding change: c.1217A>G on transcript NM_014000.3 (MANE Select); coding-DNA position 1217, A replaced by G.
Protein change: p.Glu406Gly; replaces glutamic acid 406 with glycine.
Molecular consequence: missense variant.
Genome position (GRCh38, 1-based): chr10:74,090,063, A>G. VCF-style: chr10-74090063-A-G. GRCh37 (hg19) VCF-style: chr10-75849821-A-G.
Other names: c.1217A>G, p.Glu406Gly (NM_003373.4); short protein forms E406G.
Identifiers: ClinVar variation 3226282 (VCV003226282.1), dbSNP rs2549223279, ClinGen allele CA377273151.

ClinVar aggregate classification (germline): Uncertain significance (1 of 4 stars; one submission).

Conditions:
Cardiovascular phenotype. Identifiers: MedGen CN230736.

Submission:

Ambry Genetics
Classification: Uncertain significance for Cardiovascular phenotype. Last evaluated: 2024-02-29. Review status: criteria provided, single submitter. Criteria: Ambry Variant Classification Scheme 2023. Collection method: clinical testing. Allele origin: germline.
Comment: The p.E406G variant (also known as c.1217A>G), located in coding exon 10 of the VCL gene, results from an A to G substitution at nucleotide position 1217. The glutamic acid at codon 406 is replaced by glycine, an amino acid with similar properties. This amino acid position is conserved. In addition, the in silico prediction for this alteration is inconclusive. Based on the available evidence, the clinical significance of this alteration remains unclear.